The following is an entry in ClinVar:

ClinVar aggregate classification (germline): Conflicting classifications of pathogenicity. Review status: criteria provided, conflicting classifications (1 of 4 stars). 4 submissions from 4 submitters: Uncertain significance (2); Likely benign (2). Last evaluated 2026-01-16.

Conditions:
Inborn genetic diseases. Identifiers: MedGen C0950123, MeSH D030342.
Atelosteogenesis type III. Also called: Atelosteogenesis Type 3 (FLNB-AO3). Identifiers: Orphanet 56305, MedGen C3668942, MONDO:0007168, OMIM 108721.

Allele frequency attached by ClinVar (database versions not stated): TOPMed 0.00021; ESP Exome Variant Server 0.00031.
gnomAD v4.1: 315 of 1,613,954 alleles (0.02%); highest among the groups gnomAD compares: Non-Finnish European, 0.025%; 1 homozygote.

Submissions (4):

Labcorp Genetics (formerly Invitae), Labcorp
Classification: Likely benign. Last evaluated: 2026-01-16. Review status: criteria provided, single submitter. Criteria: Invitae Variant Classification Sherloc (09022015). Collection method: clinical testing. Allele origin: germline.

Ambry Genetics
Classification: Likely benign for Inborn genetic diseases. Last evaluated: 2022-11-07. Review status: criteria provided, single submitter. Criteria: Ambry Variant Classification Scheme 2023. Collection method: clinical testing. Allele origin: germline.

GeneDx
Classification: Uncertain significance. Last evaluated: 2022-10-20. Review status: criteria provided, single submitter. Criteria: GeneDx Variant Classification Process June 2021. Collection method: clinical testing. Allele origin: germline. Affected: yes.
Comment: In silico analysis supports that this missense variant has a deleterious effect on protein structure/function; Has not been previously published as pathogenic or benign to our knowledge

Centre for Mendelian Genomics, University Medical Centre Ljubljana
Classification: Uncertain significance for Atelosteogenesis type III. Last evaluated: 2019-03-01. Review status: criteria provided, single submitter. Criteria: ACMG Guidelines, 2015. Collection method: clinical testing. Allele origin: unknown. Affected: yes.
Comment: This variant was classified as: Uncertain significance. The available evidence on this variant's pathogenicity is insufficient or conflicting. The following ACMG criteria were applied in classifying this variant: PP3.

NM_001457.4(FLNB):c.7760G>T (p.Trp2587Leu)

Gene: FLNB (filamin B; plus strand). Cytogenetic location: 3p14.3.
Variant type: single nucleotide variant.
Coding change: c.7760G>T on transcript NM_001457.4 (MANE Select); coding-DNA position 7760, G replaced by T.
Protein change: p.Trp2587Leu; replaces tryptophan 2587 with leucine.
Molecular consequence: missense variant.
Genome position (GRCh38, 1-based): chr3:58,170,713, G>T. VCF-style: chr3-58170713-G-T. GRCh37 (hg19) VCF-style: chr3-58156440-G-T.
Other names: c.7853G>T, p.Trp2618Leu (NM_001164317.2); c.7727G>T, p.Trp2576Leu (NM_001164318.2); c.7688G>T, p.Trp2563Leu (NM_001164319.2); short protein forms W2618L, W2563L, W2576L, W2587L.
Identifiers: ClinVar variation 931081 (VCV000931081.14), dbSNP rs144321868, ClinGen allele CA2469786.
Genomic context (GRCh38, chr3:58,170,713, plus strand): 5'-AGCAATACAACGTCACATACGTCGTCAAGGAGAGGGGCGATTATGTGCTGGCTGTGAAGT[G>T]GGGGGAGGAACACATCCCTGGCAGCCCTTTTCATGTCACAGTGCCTTAAAACAGTTTTCT-3'
Protein context (NP_001448.2, residues 2577-2597): ERGDYVLAVK[Trp2587Leu]GEEHIPGSPF